The following is an entry in ClinVar:

ClinVar aggregate classification (germline): Uncertain significance (1 of 4 stars; one submission).

Allele frequency attached by ClinVar (database versions not stated): gnomAD exomes below 0.00001.
gnomAD v4.1: 2 of 1,614,140 alleles (0.00012%); highest among the groups gnomAD compares: Non-Finnish European, 0.00017%; no homozygotes.

Submission:

Labcorp Genetics (formerly Invitae), Labcorp
Classification: Uncertain significance. Last evaluated: 2022-02-09. Review status: criteria provided, single submitter. Criteria: Invitae Variant Classification Sherloc (09022015). Collection method: clinical testing. Allele origin: germline.
Comment: This variant has not been reported in the literature in individuals affected with WDR62-related conditions. Algorithms developed to predict the effect of missense changes on protein structure and function (SIFT, PolyPhen-2, Align-GVGD) all suggest that this variant is likely to be tolerated. In summary, the available evidence is currently insufficient to determine the role of this variant in disease. Therefore, it has been classified as a Variant of Uncertain Significance. This variant is not present in population databases (gnomAD no frequency). This sequence change replaces serine, which is neutral and polar, with arginine, which is basic and polar, at codon 348 of the WDR62 protein (p.Ser348Arg).

NM_001083961.2(WDR62):c.1044C>G (p.Ser348Arg)

Gene: WDR62 (WD repeat domain 62; plus strand). Cytogenetic location: 19q13.12.
Variant type: single nucleotide variant.
Coding change: c.1044C>G on transcript NM_001083961.2 (MANE Select); coding-DNA position 1044, C replaced by G.
Protein change: p.Ser348Arg; replaces serine 348 with arginine.
Molecular consequence: missense variant.
Genome position (GRCh38, 1-based): chr19:36,073,342, C>G. VCF-style: chr19-36073342-C-G. GRCh37 (hg19) VCF-style: chr19-36564244-C-G.
Other names: c.1044C>G, p.Ser348Arg (NM_001411146.1, NM_173636.5); short protein forms S348R.
Identifiers: ClinVar variation 2061173 (VCV002061173.4), dbSNP rs2513496381, ClinGen allele CA405433122.